The following is an entry in ClinVar:

NM_006118.4(HAX1):c.283A>G (p.Met95Val)

Gene: HAX1 (HCLS1 associated protein X-1; plus strand). Cytogenetic location: 1q21.3.
Variant type: single nucleotide variant.
Coding change: c.283A>G on transcript NM_006118.4 (MANE Select); coding-DNA position 283, A replaced by G.
Protein change: p.Met95Val; replaces methionine 95 with valine.
Molecular consequence: missense variant.
Genome position (GRCh38, 1-based): chr1:154,273,565, A>G. VCF-style: chr1-154273565-A-G. GRCh37 (hg19) VCF-style: chr1-154246041-A-G.
Other names: c.139A>G, p.Met47Val (NM_001018837.2); short protein forms M95V, M47V.
Identifiers: ClinVar variation 3856854 (VCV003856854.1).

ClinVar aggregate classification (germline): Uncertain significance (1 of 4 stars; one submission).

Conditions:
Inborn genetic diseases. Identifiers: MedGen C0950123, MeSH D030342.

gnomAD v4.1: 6 of 1,614,012 alleles (0.00037%); highest among the groups gnomAD compares: African/African-American, 0.0053%; no homozygotes.

Submission:

Ambry Genetics
Classification: Uncertain significance for Inborn genetic diseases. Last evaluated: 2024-12-14. Review status: criteria provided, single submitter. Criteria: Ambry Variant Classification Scheme 2023. Collection method: clinical testing. Allele origin: germline.
Comment: The p.M95V variant (also known as c.283A>G), located in coding exon 2 of the HAX1 gene, results from an A to G substitution at nucleotide position 283. The methionine at codon 95 is replaced by valine, an amino acid with highly similar properties. This amino acid position is conserved. In addition, this alteration is predicted to be tolerated by in silico analysis. Based on the available evidence, the clinical significance of this variant remains unclear.